The following is an entry in ClinVar:

NM_001429.4(EP300):c.2203C>T (p.His735Tyr)

Gene: EP300 (EP300 lysine acetyltransferase; plus strand). Cytogenetic location: 22q13.2.
Variant type: single nucleotide variant.
Coding change: c.2203C>T on transcript NM_001429.4 (MANE Select); coding-DNA position 2203, C replaced by T.
Protein change: p.His735Tyr; replaces histidine 735 with tyrosine.
Molecular consequence: missense variant.
Genome position (GRCh38, 1-based): chr22:41,147,908, C>T. VCF-style: chr22-41147908-C-T. GRCh37 (hg19) VCF-style: chr22-41543912-C-T.
Other names: c.2125C>T, p.His709Tyr (NM_001362843.2); short protein forms H709Y, H735Y.
Identifiers: ClinVar variation 2801029 (VCV002801029.3), dbSNP rs2145734259, ClinGen allele CA411690116.

ClinVar aggregate classification (germline): Uncertain significance (1 of 4 stars; one submission).

Conditions:
Rubinstein-Taybi syndrome due to EP300 haploinsufficiency. Also called: EP300-Related Rubinstein-Taybi Syndrome; RUBINSTEIN-TAYBI SYNDROME 2. Identifiers: Orphanet 353284, Orphanet 783, MedGen C3150941, MONDO:0013364, OMIM 613684.

Submission:

Labcorp Genetics (formerly Invitae), Labcorp
Classification: Uncertain significance for Rubinstein-Taybi syndrome due to EP300 haploinsufficiency. Last evaluated: 2023-09-27. Review status: criteria provided, single submitter. Criteria: Invitae Variant Classification Sherloc (09022015). Collection method: clinical testing. Allele origin: germline.
Comment: This sequence change replaces histidine, which is basic and polar, with tyrosine, which is neutral and polar, at codon 735 of the EP300 protein (p.His735Tyr). This variant is not present in population databases (gnomAD no frequency). This variant has not been reported in the literature in individuals affected with EP300-related conditions. Advanced modeling of protein sequence and biophysical properties (such as structural, functional, and spatial information, amino acid conservation, physicochemical variation, residue mobility, and thermodynamic stability) performed at Invitae indicates that this missense variant is not expected to disrupt EP300 protein function. In summary, the available evidence is currently insufficient to determine the role of this variant in disease. Therefore, it has been classified as a Variant of Uncertain Significance.